The following is an entry in ClinVar:

ClinVar aggregate classification (germline): Uncertain significance. Review status: criteria provided, multiple submitters, no conflicts (2 of 4 stars). 8 submissions from 7 submitters: Uncertain significance (8). Last evaluated 2025-09-21.

Conditions:
Intellectual disability. Also called: Intellectual functioning disability; Intellectual developmental disorder; intellectual disabilities. Identifiers: MedGen C3714756, MeSH D008607, MONDO:0001071, HP:0001249.
Tuberous sclerosis syndrome (TSC). Also called: Tuberous Sclerosis Complex; Tuberous sclerosis. Identifiers: Orphanet 805, MedGen C0041341, MONDO:0001734.
Isolated focal cortical dysplasia type II (FCORD2). Also called: Focal cortical dysplasia type II; CORTICAL DYSPLASIA OF TAYLOR. Identifiers: Orphanet 268994, MedGen C1846385, MONDO:0011818, OMIM 607341, HP:0032051.
Tuberous sclerosis 1 (TSC1). Identifiers: Orphanet 805, MedGen C1854465, MONDO:0008612, OMIM 191100.
Hereditary cancer-predisposing syndrome. Also called: Hereditary neoplastic syndrome; Neoplastic Syndromes, Hereditary; Hereditary Cancer Syndrome; Tumor predisposition. Identifiers: Orphanet 140162, MedGen C0027672, MeSH D009386, MONDO:0015356.

Allele frequency attached by ClinVar (database versions not stated): gnomAD exomes below 0.00001.
gnomAD v4.1: 4 of 1,613,878 alleles (0.00025%); highest among the groups gnomAD compares: Non-Finnish European, 0.00034%; no homozygotes.

Submissions (8):

Labcorp Genetics (formerly Invitae), Labcorp
Classification: Uncertain significance for Tuberous sclerosis 1. Last evaluated: 2025-09-21. Review status: criteria provided, single submitter. Criteria: Invitae Variant Classification Sherloc (09022015). Collection method: clinical testing. Allele origin: germline.
Comment: This sequence change replaces threonine, which is neutral and polar, with serine, which is neutral and polar, at codon 393 of the TSC1 protein (p.Thr393Ser). This variant is not present in population databases (gnomAD no frequency). This variant has not been reported in the literature in individuals affected with TSC1-related conditions. ClinVar contains an entry for this variant (Variation ID: 912458). Invitae Evidence Modeling of protein sequence and biophysical properties (such as structural, functional, and spatial information, amino acid conservation, physicochemical variation, residue mobility, and thermodynamic stability) indicates that this missense variant is not expected to disrupt TSC1 protein function with a negative predictive value of 95%. In summary, the available evidence is currently insufficient to determine the role of this variant in disease. Therefore, it has been classified as a Variant of Uncertain Significance.

Color Diagnostics, LLC DBA Color Health
Classification: Uncertain significance for Tuberous sclerosis syndrome. Last evaluated: 2025-06-09. Review status: criteria provided, single submitter. Criteria: ACMG Guidelines, 2015. Collection method: clinical testing. Allele origin: germline.
Comment: This missense variant replaces threonine with serine at codon 393 of the TSC1 protein. Computational prediction suggests that this variant may not impact protein structure and function. To our knowledge, functional studies have not been reported for this variant. This variant has not been reported in individuals affected with TSC1-related disorders in the literature. This variant has not been identified in the general population by the Genome Aggregation Database (gnomAD). The available evidence is insufficient to determine the role of this variant in disease conclusively. Therefore, this variant is classified as a Variant of Uncertain Significance.

Ambry Genetics
Classification: Uncertain significance for Hereditary cancer-predisposing syndrome. Last evaluated: 2024-12-06. Review status: criteria provided, single submitter. Criteria: Ambry Variant Classification Scheme 2023. Collection method: clinical testing. Allele origin: germline.
Comment: The p.T393S variant (also known as c.1177A>T), located in coding exon 10 of the TSC1 gene, results from an A to T substitution at nucleotide position 1177. The threonine at codon 393 is replaced by serine, an amino acid with similar properties. This amino acid position is highly conserved in available vertebrate species. In addition, the in silico prediction for this alteration is inconclusive. Based on the available evidence, the clinical significance of this variant remains unclear.

Molecular Pathology, Peter Maccallum Cancer Centre
Classification: Uncertain significance for Tuberous sclerosis 1. Last evaluated: 2024-09-25. Review status: criteria provided, single submitter. Criteria: ACMG Guidelines, 2015. Collection method: clinical testing. Allele origin: germline. Inheritance: Autosomal dominant inheritance.

Genome-Nilou Lab
Classification: Uncertain significance for Tuberous sclerosis 1. Last evaluated: 2021-11-07. Review status: criteria provided, single submitter. Criteria: ACMG Guidelines, 2015. Collection method: clinical testing. Allele origin: germline. Affected: no.

Cambridge Genomics Laboratory, East Genomic Laboratory Hub, NHS Genomic Medicine Service
Classification: Uncertain significance for Intellectual disability. Last evaluated: 2020-04-11. Review status: criteria provided, single submitter. Criteria: ACGS Best Practice Guidelines for Variant Classification in Rare Disease 2020. Collection method: clinical testing. Allele origin: germline. Affected: yes. Observed: 1 variant allele.

Illumina Laboratory Services, Illumina
Classification: Uncertain significance for Tuberous sclerosis 1. Last evaluated: 2018-01-12. Review status: criteria provided, single submitter. Criteria: ICSL Variant Classification Criteria 13 December 2019. Collection method: clinical testing. Allele origin: germline.

Illumina Laboratory Services, Illumina
Classification: Uncertain significance for Isolated focal cortical dysplasia type II. Last evaluated: 2018-01-12. Review status: criteria provided, single submitter. Criteria: ICSL Variant Classification Criteria 13 December 2019. Collection method: clinical testing. Allele origin: germline.

NM_000368.5(TSC1):c.1177A>T (p.Thr393Ser)

Gene: TSC1 (TSC complex subunit 1; minus strand). Cytogenetic location: 9q34.13.
Variant type: single nucleotide variant.
Coding change: c.1177A>T on transcript NM_000368.5 (MANE Select); coding-DNA position 1177, A replaced by T.
Protein change: p.Thr393Ser; replaces threonine 393 with serine.
Molecular consequence: missense variant.
Genome position (GRCh38, 1-based): chr9:132,910,657, T>A on the plus strand (A>T on the coding strand, the complement: TSC1 is on the minus strand). VCF-style: chr9-132910657-T-A. GRCh37 (hg19) VCF-style: chr9-135786044-T-A.
Other names: c.1174A>T, p.Thr392Ser (NM_001162426.2); c.1024A>T, p.Thr342Ser (NM_001162427.2); c.814A>T, p.Thr272Ser (NM_001362177.2); short protein forms T393S, T342S, T272S, T392S.
Identifiers: ClinVar variation 912458 (VCV000912458.20), dbSNP rs1845904791, ClinGen allele CA375367086.